The following is an entry in ClinVar:

NM_002608.4(PDGFB):c.18_19dup (p.Leu7fs)

Gene: PDGFB (platelet derived growth factor subunit B; minus strand). Cytogenetic location: 22q13.1.
Variant type: Microsatellite.
Coding change: c.18_19dup on transcript NM_002608.4 (MANE Select); coding-DNA positions 18 to 19, 2 bases duplicated (GC; older notation c.18_19dupGC).
Protein change: p.Leu7fs; shifts the reading frame from leucine 7.
Molecular consequence: frameshift variant.
Genome position (GRCh38, 1-based): chr22:39,243,945-39,243,946, GC duplicated on the plus strand (GC on the coding strand, the reverse complement: PDGFB is on the minus strand); duplicating any 2 consecutive bases within chr22:39,243,945-39,243,948 gives the same sequence; the c. name uses the placement nearest the transcript's 3' end. VCF-style (leftmost placement, unchanged base first): chr22-39243944-A-AGC. GRCh37 (hg19) VCF-style: chr22-39639949-A-AGC.
Other names: short protein forms L7fs.
Identifiers: ClinVar variation 1384828 (VCV001384828.6), dbSNP rs2146459243, ClinGen allele CA2580615311.

ClinVar aggregate classification (germline): Pathogenic (1 of 4 stars; one submission).

Submission:

Labcorp Genetics (formerly Invitae), Labcorp
Classification: Pathogenic. Last evaluated: 2021-07-18. Review status: criteria provided, single submitter. Criteria: Invitae Variant Classification Sherloc (09022015). Collection method: clinical testing. Allele origin: germline.
Comment: This sequence change creates a premature translational stop signal (p.Leu7Argfs*28) in the PDGFB gene. It is expected to result in an absent or disrupted protein product. Loss-of-function variants in PDGFB are known to be pathogenic (PMID: 23913003, 26599395). This variant is not present in population databases (ExAC no frequency). This variant has not been reported in the literature in individuals affected with PDGFB-related conditions. For these reasons, this variant has been classified as Pathogenic.

Literature cited by the submitters: PubMed 23913003; PubMed 26599395.